The following is an entry in ClinVar:

ClinVar aggregate classification (germline): Conflicting classifications of pathogenicity. Review status: criteria provided, conflicting classifications (1 of 4 stars). 2 submissions from 2 submitters: Uncertain significance (1); Likely benign (1). Last evaluated 2023-02-01.

Conditions:
Gamma-aminobutyric acid transaminase deficiency (GABATD). Also called: GABA aminotransaminase deficiency; GABA transaminase deficiency; Gamma aminobutyrate transaminase deficiency; 4 alpha aminobutyrate transaminase deficiency. Identifiers: Orphanet 2066, MedGen C0342708, MONDO:0013166, OMIM 613163.

Allele frequency attached by ClinVar (database versions not stated): gnomAD exomes 0.00233; 1000 Genomes Project 0.00240; 1000 Genomes Project 30x 0.00281; TOPMed 0.00448; gnomAD 0.00469 and 0.00480.
gnomAD v4.1: 709 of 152,780 alleles (0.46%); highest among the groups gnomAD compares: Non-Finnish European, 0.83%; 4 homozygotes.

Submissions (2):

CeGaT Center for Human Genetics Tuebingen
Classification: Likely benign. Last evaluated: 2023-02-01. Review status: criteria provided, single submitter. Criteria: CeGaT Center For Human Genetics Tuebingen Variant Classification Criteria Version 2. Collection method: clinical testing. Allele origin: germline. Affected: yes. Observed: 4 variant alleles.
Comment: ABAT: BS2

Illumina Laboratory Services, Illumina
Classification: Uncertain significance for Gamma-aminobutyric acid transaminase deficiency. Last evaluated: 2018-01-13. Review status: criteria provided, single submitter. Criteria: ICSL Variant Classification Criteria 13 December 2019. Collection method: clinical testing. Allele origin: germline.

NM_020686.6(ABAT):c.*2884T>C

Gene: ABAT (4-aminobutyrate aminotransferase; plus strand). Cytogenetic location: 16p13.2.
Variant type: single nucleotide variant.
Coding change: c.*2884T>C on transcript NM_020686.6 (MANE Select); 2884 bases downstream of the stop codon, T replaced by C.
Molecular consequence: 3 prime UTR variant.
Genome position (GRCh38, 1-based): chr16:8,784,314, T>C. VCF-style: chr16-8784314-T-C. GRCh37 (hg19) VCF-style: chr16-8878171-T-C.
Other names: c.*2884T>C (NM_000663.5, NM_001127448.2, NM_001386600.1 and 14 more transcripts); c.*2898T>C (NM_001386609.1, NM_001386616.1).
Identifiers: ClinVar variation 321149 (VCV000321149.34), dbSNP rs10261, ClinGen allele CA10638559.